The following is an entry in ClinVar:

NM_000038.6(APC):c.3586T>C (p.Ser1196Pro)

Gene: APC (APC regulator of Wnt signaling pathway; plus strand). Cytogenetic location: 5q22.2.
Variant type: single nucleotide variant.
Coding change: c.3586T>C on transcript NM_000038.6 (MANE Select); coding-DNA position 3586, T replaced by C.
Protein change: p.Ser1196Pro; replaces serine 1196 with proline.
Molecular consequence: missense variant.
Genome position (GRCh38, 1-based): chr5:112,839,180, T>C. VCF-style: chr5-112839180-T-C. GRCh37 (hg19) VCF-style: chr5-112174877-T-C.
Other names: c.3586T>C, p.Ser1196Pro (NM_001127510.3, NM_001354895.2); c.3532T>C, p.Ser1178Pro (NM_001127511.3); c.3640T>C, p.Ser1214Pro (NM_001354896.2); c.3616T>C, p.Ser1206Pro (NM_001354897.2); c.3511T>C, p.Ser1171Pro (NM_001354898.2); c.3502T>C, p.Ser1168Pro (NM_001354899.2); c.3463T>C, p.Ser1155Pro (NM_001354900.2); c.3409T>C, p.Ser1137Pro (NM_001354901.2); and 5 more; short protein forms S1036P, S1070P, S1095P, S1105P, S1137P, S1155P, S1168P, S1171P.
Identifiers: ClinVar variation 999561 (VCV000999561.10), dbSNP rs767941285, ClinGen allele CA16029211.
Genomic context (GRCh38, chr5:112,839,180, plus strand): 5'-CCTATTGATTATAGTTTAAAATATGCCACAGATATTCCTTCATCACAGAAACAGTCATTT[T>C]CATTCTCAAAGAGTTCATCTGGACAAAGCAGTAAAACCGAACATATGTCTTCAAGCAGTG-3'
Protein context (NP_000029.2, residues 1186-1206): DIPSSQKQSF[Ser1196Pro]FSKSSSGQSS

ClinVar aggregate classification (germline): Uncertain significance (1 of 4 stars; one submission).

Conditions:
Familial adenomatous polyposis 1 (FAP1). Also called: FAMILIAL ADENOMATOUS POLYPOSIS 1, ATTENUATED; POLYPOSIS, ADENOMATOUS INTESTINAL. Identifiers: MedGen C2713442, MONDO:0021056, OMIM 175100. Disease mechanism: loss of function.

Submission:

Labcorp Genetics (formerly Invitae), Labcorp
Classification: Uncertain significance for Familial adenomatous polyposis 1. Last evaluated: 2020-08-23. Review status: criteria provided, single submitter. Criteria: Invitae Variant Classification Sherloc (09022015). Collection method: clinical testing. Allele origin: germline.
Comment: Algorithms developed to predict the effect of missense changes on protein structure and function output the following: SIFT: "Tolerated"; PolyPhen-2: "Benign"; Align-GVGD: "Class C0". The proline amino acid residue is found in multiple mammalian species, suggesting that this missense change does not adversely affect protein function. These predictions have not been confirmed by published functional studies and their clinical significance is uncertain. In summary, the available evidence is currently insufficient to determine the role of this variant in disease. Therefore, it has been classified as a Variant of Uncertain Significance. This variant has not been reported in the literature in individuals with APC-related conditions. This variant is not present in population databases (ExAC no frequency). This sequence change replaces serine with proline at codon 1196 of the APC protein (p.Ser1196Pro). The serine residue is highly conserved and there is a moderate physicochemical difference between serine and proline.